The following is an entry in ClinVar:

ClinVar aggregate classification (germline): Likely benign. Review status: criteria provided, single submitter (1 of 4 stars). 2 submissions from 2 submitters: Likely benign (1). 1 of the submissions does not count toward it. Last evaluated 2024-03-14.

Conditions:
GRK1-related disorder. Also called: GRK1-related condition.

Allele frequency attached by ClinVar (database versions not stated): gnomAD 0.00002; TOPMed 0.00002; 1000 Genomes Project 30x 0.00016; 1000 Genomes Project 0.00020.
gnomAD v4.1: 28 of 1,613,504 alleles (0.0017%); highest among the groups gnomAD compares: Middle Eastern, 0.049%; no homozygotes.

Submissions (2):

Blueprint Genetics
Classification: Likely benign. Last evaluated: 2024-03-14. Review status: criteria provided, single submitter. Criteria: ACMG Guidelines, 2015. Collection method: clinical testing. Allele origin: germline.

PreventionGenetics, part of Exact Sciences
Classification: Likely benign for GRK1-related condition. Last evaluated: 2019-08-12. Review status: no assertion criteria provided. Collection method: clinical testing. Allele origin: germline. Not counted in ClinVar's aggregate classification.
Comment: This variant is classified as likely benign based on ACMG/AMP sequence variant interpretation guidelines (Richards et al. 2015 PMID: 25741868, with internal and published modifications).

NM_002929.3(GRK1):c.234G>A (p.Ser78=)

Gene: GRK1 (G protein-coupled receptor kinase 1; plus strand). Cytogenetic location: 13q34.
Variant type: single nucleotide variant.
Coding change: c.234G>A on transcript NM_002929.3 (MANE Select); coding-DNA position 234, G replaced by A.
Protein change: p.Ser78=; no amino-acid change (serine 78 retained).
Molecular consequence: synonymous variant.
Genome position (GRCh38, 1-based): chr13:113,667,620, G>A. VCF-style: chr13-113667620-G-A. GRCh37 (hg19) VCF-style: chr13-114321935-G-A.
Identifiers: ClinVar variation 3034515 (VCV003034515.3), dbSNP rs572018519, ClinGen allele CA7066047.